The following is an entry in ClinVar:

NM_005219.5(DIAPH1):c.3220C>G (p.Gln1074Glu)

Gene: DIAPH1 (diaphanous related formin 1; minus strand). Cytogenetic location: 5q31.3.
Variant type: single nucleotide variant.
Coding change: c.3220C>G on transcript NM_005219.5 (MANE Select); coding-DNA position 3220, C replaced by G.
Protein change: p.Gln1074Glu; replaces glutamine 1074 with glutamic acid.
Molecular consequence: missense variant.
Genome position (GRCh38, 1-based): chr5:141,527,626, G>C on the plus strand (C>G on the coding strand, the complement: DIAPH1 is on the minus strand). VCF-style: chr5-141527626-G-C. GRCh37 (hg19) VCF-style: chr5-140907193-G-C.
Other names: c.3193C>G, p.Gln1065Glu (NM_001079812.3); c.3220C>G, p.Gln1074Glu (NM_001314007.2); short protein forms Q1065E, Q1074E.
Identifiers: ClinVar variation 1405413 (VCV001405413.8), dbSNP rs1012562287, ClinGen allele CA128424475.
Genomic context (GRCh38, chr5:141,527,626, plus strand): 5'-AGGATATGGTCATTTTTTCAACAAACTTGTCTTTTTCATCTGTGGCAGCTGGGAAATTCT[G>C]AACATCACGTTCCACATCAGAAATTTGTTTCTTCATCTGATCTAGGTTCTTTTGCAAGTT-3'
Protein context (NP_005210.3, residues 1064-1084): KQISDVERDV[Gln1074Glu]NFPAATDEKD

ClinVar aggregate classification (germline): Uncertain significance (1 of 4 stars; one submission).

Conditions:
Autosomal dominant nonsyndromic hearing loss 1. Also called: KONIGSMARK SYNDROME; DEAFNESS, AUTOSOMAL DOMINANT 1, WITH OR WITHOUT THROMBOCYTOPENIA. Identifiers: Orphanet 90635, MedGen C1852282, MONDO:0007424, OMIM 124900.
Progressive microcephaly-seizures-cortical blindness-developmental delay syndrome. Also called: Seizures, cortical blindness, and microcephaly syndrome. Identifiers: Orphanet 477814, MedGen C5567650, MONDO:0014714, OMIM 616632.

Allele frequency attached by ClinVar (database versions not stated): gnomAD exomes 0.00002.
gnomAD v4.1: 21 of 1,555,678 alleles (0.0013%); highest among the groups gnomAD compares: Admixed American, 0.0018%; no homozygotes.

Submission:

Labcorp Genetics (formerly Invitae), Labcorp
Classification: Uncertain significance for Progressive microcephaly-seizures-cortical blindness-developmental delay syndrome; Autosomal dominant nonsyndromic hearing loss 1. Last evaluated: 2024-09-22. Review status: criteria provided, single submitter. Criteria: Invitae Variant Classification Sherloc (09022015). Collection method: clinical testing. Allele origin: germline.
Comment: This sequence change replaces glutamine, which is neutral and polar, with glutamic acid, which is acidic and polar, at codon 1074 of the DIAPH1 protein (p.Gln1074Glu). This variant is not present in population databases (gnomAD no frequency). This variant has not been reported in the literature in individuals affected with DIAPH1-related conditions. ClinVar contains an entry for this variant (Variation ID: 1405413). An algorithm developed to predict the effect of missense changes on protein structure and function outputs the following: PolyPhen-2: "Benign". The glutamic acid amino acid residue is found in multiple mammalian species, which suggests that this missense change does not adversely affect protein function. In summary, the available evidence is currently insufficient to determine the role of this variant in disease. Therefore, it has been classified as a Variant of Uncertain Significance.